The following is an entry in ClinVar:

ClinVar aggregate classification (germline): Uncertain significance (1 of 4 stars; one submission).

Conditions:
Catecholaminergic polymorphic ventricular tachycardia 1. Also called: VENTRICULAR TACHYCARDIA, CATECHOLAMINERGIC POLYMORPHIC, 1, WITH OR WITHOUT ATRIAL DYSFUNCTION AND/OR DILATED CARDIOMYOPATHY; RYR2-Related Catecholaminergic Polymorphic Ventricular Tachycardia; VENTRICULAR TACHYCARDIA, STRESS-INDUCED POLYMORPHIC 1. Identifiers: Orphanet 3286, MedGen C1631597, MONDO:0011484, OMIM 604772.

Submission:

Labcorp Genetics (formerly Invitae), Labcorp
Classification: Uncertain significance for Catecholaminergic polymorphic ventricular tachycardia 1. Last evaluated: 2025-09-14. Review status: criteria provided, single submitter. Criteria: Invitae Variant Classification Sherloc (09022015). Collection method: clinical testing. Allele origin: germline.
Comment: This sequence change replaces glycine, which is neutral and non-polar, with alanine, which is neutral and non-polar, at codon 22 of the CASQ2 protein (p.Gly22Ala). This variant is present in population databases (no rsID available, gnomAD 0.0009%). This variant has not been reported in the literature in individuals affected with CASQ2-related conditions. Invitae Evidence Modeling of protein sequence and biophysical properties (such as structural, functional, and spatial information, amino acid conservation, physicochemical variation, residue mobility, and thermodynamic stability) indicates that this missense variant is not expected to disrupt CASQ2 protein function with a negative predictive value of 80%. In summary, the available evidence is currently insufficient to determine the role of this variant in disease. Therefore, it has been classified as a Variant of Uncertain Significance.

NM_001232.4(CASQ2):c.65G>C (p.Gly22Ala)

Gene: CASQ2 (calsequestrin 2; minus strand). Cytogenetic location: 1p13.1.
Variant type: single nucleotide variant.
Coding change: c.65G>C on transcript NM_001232.4 (MANE Select); coding-DNA position 65, G replaced by C.
Protein change: p.Gly22Ala; replaces glycine 22 with alanine.
Molecular consequence: missense variant.
Genome position (GRCh38, 1-based): chr1:115,768,477, C>G on the plus strand (G>C on the coding strand, the complement: CASQ2 is on the minus strand). VCF-style: chr1-115768477-C-G. GRCh37 (hg19) VCF-style: chr1-116311098-C-G.
Other names: short protein forms G22A.
Identifiers: ClinVar variation 4754534 (VCV004754534.1).